The following is an entry in ClinVar:

NM_001164508.2(NEB):c.24645G>A (p.Val8215=)

Genes: RIF1 (replication timing regulatory factor 1; plus strand), NEB (nebulin; minus strand). Cytogenetic location: 2q23.3.
Variant type: single nucleotide variant.
Coding change: c.24645G>A on transcript NM_001164508.2 (MANE Select); coding-DNA position 24645, G replaced by A.
Protein change: p.Val8215=; no amino-acid change (valine 8215 retained).
Molecular consequence: synonymous variant.
Genome position (GRCh38, 1-based): chr2:151,493,802, C>T on the plus strand (G>A on the coding strand, the complement: NEB is on the minus strand). VCF-style: chr2-151493802-C-T. GRCh37 (hg19) VCF-style: chr2-152350316-C-T.
Other names: c.24645G>A, p.Val8215= (NM_001164507.2); c.24750G>A, p.Val8250= (NM_001271208.2); c.19077G>A, p.Val6359= (NM_004543.5).
Identifiers: ClinVar variation 465584 (VCV000465584.14), dbSNP rs769610035, ClinGen allele CA1905969.

ClinVar aggregate classification (germline): Conflicting classifications of pathogenicity. Review status: criteria provided, conflicting classifications (1 of 4 stars). 3 submissions from 3 submitters: Uncertain significance (1); Likely benign (2). Last evaluated 2026-02-02.

Conditions:
Nemaline myopathy 2 (NEM2). Also called: Nemaline myopathy 2, autosomal recessive. Identifiers: MedGen C1850569, MONDO:0009725, OMIM 256030.

Allele frequency attached by ClinVar (database versions not stated): gnomAD 0.00002; TOPMed 0.00003; ExAC 0.00006.
gnomAD v4.1: 121 of 1,584,446 alleles (0.0076%); highest among the groups gnomAD compares: Non-Finnish European, 0.0095%; no homozygotes.

Submissions (3):

Labcorp Genetics (formerly Invitae), Labcorp
Classification: Likely benign for Nemaline myopathy 2. Last evaluated: 2026-02-02. Review status: criteria provided, single submitter. Criteria: Invitae Variant Classification Sherloc (09022015). Collection method: clinical testing. Allele origin: germline.

Revvity Omics, Revvity
Classification: Uncertain significance. Last evaluated: 2023-09-20. Review status: criteria provided, single submitter. Criteria: ACMG Guidelines, 2015. Collection method: clinical testing. Allele origin: germline.

GeneDx
Classification: Likely benign. Last evaluated: 2017-08-24. Review status: criteria provided, single submitter. Criteria: GeneDx Variant Classification (06012015). Collection method: clinical testing. Allele origin: germline. Affected: yes.
Comment: This variant is considered likely benign or benign based on one or more of the following criteria: it is a conservative change, it occurs at a poorly conserved position in the protein, it is predicted to be benign by multiple in silico algorithms, and/or has population frequency not consistent with disease.